The following is an entry in ClinVar:

ClinVar aggregate classification (germline): Uncertain significance. Review status: criteria provided, multiple submitters, no conflicts (2 of 4 stars). 2 submissions from 2 submitters: Uncertain significance (2). Last evaluated 2025-02-26.

Conditions:
Inborn genetic diseases. Identifiers: MedGen C0950123, MeSH D030342.

Allele frequency attached by ClinVar (database versions not stated): ExAC 0.00002; gnomAD exomes 0.00001; gnomAD 0.00003; TOPMed 0.00002.

Submissions (2):

Labcorp Genetics (formerly Invitae), Labcorp
Classification: Uncertain significance. Last evaluated: 2025-02-26. Review status: criteria provided, single submitter. Criteria: Invitae Variant Classification Sherloc (09022015). Collection method: clinical testing. Allele origin: germline.
Comment: This sequence change replaces proline, which is neutral and non-polar, with leucine, which is neutral and non-polar, at codon 814 of the SPTBN2 protein (p.Pro814Leu). This variant is present in population databases (rs778650900, gnomAD 0.004%). This variant has not been reported in the literature in individuals affected with SPTBN2-related conditions. ClinVar contains an entry for this variant (Variation ID: 3169562). Invitae Evidence Modeling of protein sequence and biophysical properties (such as structural, functional, and spatial information, amino acid conservation, physicochemical variation, residue mobility, and thermodynamic stability) has been performed for this missense variant. However, the output from this modeling did not meet the statistical confidence thresholds required to predict the impact of this variant on SPTBN2 protein function. In summary, the available evidence is currently insufficient to determine the role of this variant in disease. Therefore, it has been classified as a Variant of Uncertain Significance.

Ambry Genetics
Classification: Uncertain significance for Inborn genetic diseases. Last evaluated: 2024-01-03. Review status: criteria provided, single submitter. Criteria: Ambry Variant Classification Scheme 2023. Collection method: clinical testing. Allele origin: germline.

NM_006946.4(SPTBN2):c.2441C>T (p.Pro814Leu)

Gene: SPTBN2 (spectrin beta, non-erythrocytic 2; minus strand). Cytogenetic location: 11q13.2.
Variant type: single nucleotide variant.
Coding change: c.2441C>T on transcript NM_006946.4 (MANE Select); coding-DNA position 2441, C replaced by T.
Protein change: p.Pro814Leu; replaces proline 814 with leucine.
Molecular consequence: missense variant.
Genome position (GRCh38, 1-based): chr11:66,704,835, G>A on the plus strand (C>T on the coding strand, the complement: SPTBN2 is on the minus strand). VCF-style: chr11-66704835-G-A. GRCh37 (hg19) VCF-style: chr11-66472306-G-A.
Other names: c.2462C>T, p.Pro821Leu (NM_001411025.1); short protein forms P814L, P821L.
Identifiers: ClinVar variation 3169562 (VCV003169562.3), dbSNP rs778650900, ClinGen allele CA6129127.